The following is an entry in ClinVar:

NM_031935.3(HMCN1):c.6349A>C (p.Ile2117Leu)

Gene: HMCN1 (hemicentin 1; plus strand). Cytogenetic location: 1q31.1.
Variant type: single nucleotide variant.
Coding change: c.6349A>C on transcript NM_031935.3 (MANE Select); coding-DNA position 6349, A replaced by C.
Protein change: p.Ile2117Leu; replaces isoleucine 2117 with leucine.
Molecular consequence: missense variant.
Genome position (GRCh38, 1-based): chr1:186,045,732, A>C. VCF-style: chr1-186045732-A-C. GRCh37 (hg19) VCF-style: chr1-186014864-A-C.
Other names: short protein forms I2117L.
Identifiers: ClinVar variation 2090074 (VCV002090074.4), dbSNP rs2527670568, ClinGen allele CA343899725.

ClinVar aggregate classification (germline): Uncertain significance (1 of 4 stars; one submission).

Submission:

Labcorp Genetics (formerly Invitae), Labcorp
Classification: Uncertain significance. Last evaluated: 2022-01-26. Review status: criteria provided, single submitter. Criteria: Invitae Variant Classification Sherloc (09022015). Collection method: clinical testing. Allele origin: germline.
Comment: This variant is not present in population databases (gnomAD no frequency). This sequence change replaces isoleucine, which is neutral and non-polar, with leucine, which is neutral and non-polar, at codon 2117 of the HMCN1 protein (p.Ile2117Leu). This variant has not been reported in the literature in individuals affected with HMCN1-related conditions. Algorithms developed to predict the effect of missense changes on protein structure and function output the following: SIFT: "Tolerated"; PolyPhen-2: "Benign"; Align-GVGD: "Class C0". The leucine amino acid residue is found in multiple mammalian species, which suggests that this missense change does not adversely affect protein function. In summary, the available evidence is currently insufficient to determine the role of this variant in disease. Therefore, it has been classified as a Variant of Uncertain Significance.